The following is an entry in ClinVar:

NM_002645.4(PIK3C2A):c.3923G>A (p.Arg1308His)

Gene: PIK3C2A (phosphatidylinositol-4-phosphate 3-kinase catalytic subunit type 2 alpha; minus strand). Cytogenetic location: 11p15.1.
Variant type: single nucleotide variant.
Coding change: c.3923G>A on transcript NM_002645.4 (MANE Select); coding-DNA position 3923, G replaced by A.
Protein change: p.Arg1308His; replaces arginine 1308 with histidine.
Molecular consequence: missense variant.
Genome position (GRCh38, 1-based): chr11:17,101,363, C>T on the plus strand (G>A on the coding strand, the complement: PIK3C2A is on the minus strand). VCF-style: chr11-17101363-C-T. GRCh37 (hg19) VCF-style: chr11-17122910-C-T.
Other names: c.3923G>A, p.Arg1308His (NM_001321378.2); c.2783G>A, p.Arg928His (NM_001321380.2); c.3755G>A, p.Arg1252His (NM_001386870.1); c.3923G>A (NM_002645.2); short protein forms R1252H, R1308H, R928H.
Identifiers: ClinVar variation 2084796 (VCV002084796.3), dbSNP rs748155846, ClinGen allele CA5900654.

ClinVar aggregate classification (germline): Uncertain significance. Review status: criteria provided, multiple submitters, no conflicts (2 of 4 stars). 2 submissions from 2 submitters: Uncertain significance (2). Last evaluated 2024-05-24.

Allele frequency attached by ClinVar (database versions not stated): gnomAD 0.00002; TOPMed 0.00003; ExAC 0.00005.
gnomAD v4.1: 74 of 1,599,026 alleles (0.0046%); highest among the groups gnomAD compares: Middle Eastern, 0.033%; 1 homozygote.

Submissions (2):

Ambry Genetics
Classification: Uncertain significance. Last evaluated: 2024-05-24. Review status: criteria provided, single submitter. Criteria: Ambry Variant Classification Scheme 2023. Collection method: clinical testing. Allele origin: germline.

Labcorp Genetics (formerly Invitae), Labcorp
Classification: Uncertain significance. Last evaluated: 2023-12-11. Review status: criteria provided, single submitter. Criteria: Invitae Variant Classification Sherloc (09022015). Collection method: clinical testing. Allele origin: germline.
Comment: This sequence change replaces arginine, which is basic and polar, with histidine, which is basic and polar, at codon 1308 of the PIK3C2A protein (p.Arg1308His). This variant is present in population databases (rs748155846, gnomAD 0.01%). This variant has not been reported in the literature in individuals affected with PIK3C2A-related conditions. ClinVar contains an entry for this variant (Variation ID: 2084796). Experimental studies and prediction algorithms are not available or were not evaluated, and the functional significance of this variant is currently unknown. In summary, the available evidence is currently insufficient to determine the role of this variant in disease. Therefore, it has been classified as a Variant of Uncertain Significance.